The following is an entry in ClinVar:

ClinVar aggregate classification (germline): Pathogenic. Review status: reviewed by expert panel (3 of 4 stars). 4 submissions from 4 submitters: Pathogenic (1). 3 of the submissions do not count toward it. Last evaluated 2026-03-24.

Conditions:
ABCA4-related retinopathy. Also called: ABCA4 retinoapthy; ABCA4-related retinoapthy. Identifiers: MedGen CN322612, MONDO:0800406.
ABCA4-related disorder. Also called: ABCA4-related condition; ABCA4-related disorders. Identifiers: MedGen CN239167.

Allele frequency attached by ClinVar (database versions not stated): gnomAD 0.00001.
gnomAD v4.1: 3 of 1,613,950 alleles (0.00019%); highest among the groups gnomAD compares: African/African-American, 0.004%; no homozygotes.

Submissions (4):

ClinGen ABCA4 Variant Curation Expert Panel, Clingen
Classification: Pathogenic for ABCA4-related retinopathy. Last evaluated: 2026-03-24. Review status: reviewed by expert panel. Criteria: ClinGen ABCA4 ACMG Specifications V1.0.0. Collection method: curation. Allele origin: germline. Inheritance: Autosomal recessive inheritance.
Comment: The NM_000350.3:c.3413T>C variant in ABCA4 is a missense variant predicted to cause substitution of leucine by proline at amino acid 1138; p.Leu1138Pro. The total minor allele frequency in gnomAD v4.1.0 is 0.000001859 (3/1613950 alleles), which is lower than the ClinGen ABCA4 VCEP’s threshold for PM2_Supporting (<0.0001). The computational predictor REVEL gives a score of 0.97 which is above the threshold of >0.772, evidence that predicts a damaging effect on ABCA4 function meeting PP3_Moderate. The prevalence of the variant in affected individuals is significantly increased compared with the prevalence in controls. The OR is 35.7 and the CI is 2.87 - 1852.51, which is above the ABCA4 VCEP threshold of ≥5, where the CI does not contain 1 (PS4; PMID: 35120629). At least one patient with this variant displayed presence of at least two ABCA4 variants, onset under 18 years of age, macular flecks on fundus autofluorescence, and genomic testing that has ruled out alternative causes for the disease, which is highly specific for ABCA4-related retinopathy (PP4, PMID:39264853). Additionally, VCEP member reported siblings with diagnosis of Stargardt disease homozygous for this variant (PM3_Supporting, PP1). In summary, this variant meets the criteria to be classified as pathogenic for ABCA4-related retinopathy based on the ACMG/AMP criteria applied, as specified by the ClinGen ABCA4 VCEP Specification Version 1.0.0: PS4, PP3_Moderate, PM3_Supporting, PP1, PP4, PM2_Supporting.

Women's Health and Genetics/Laboratory Corporation of America, LabCorp
Classification: Uncertain significance. Last evaluated: 2024-09-27. Review status: criteria provided, single submitter. Criteria: LabCorp Variant Classification Summary - May 2015. Collection method: clinical testing. Allele origin: germline. Not counted in ClinVar's aggregate classification.
Comment: Variant summary: ABCA4 c.3413T>C (p.Leu1138Pro) results in a non-conservative amino acid change located in the ABC transporter-like, ATP-binding domain (IPR003439) of the encoded protein sequence. Five of five in-silico tools predict a damaging effect of the variant on protein function. The variant was absent in 251476 control chromosomes. The available data on variant occurrences in the general population are insufficient to allow any conclusion about variant significance. c.3413T>C has been reported in the literature in a compound heterozygous individual affected with Bull's-Eye maculopathy (e.g. Duncker_2015), in multiple individuals affected with Stargardt disease reported as bi-allelic occurrences but without reported second variants (e.g. Cornelis_2022), or in an individual with unspecified hereditary retinal degeneration without reported genotype (e.g. Downs_2007). These data do not allow any conclusion about variant significance. To our knowledge, no experimental evidence demonstrating an impact on protein function has been reported. The following publications have been ascertained in the context of this evaluation (PMID: 35120629, 17296903, 25283059). ClinVar contains an entry for this variant (Variation ID: 866229). Based on the evidence outlined above, the variant was classified as uncertain significance.

Blueprint Genetics
Classification: Likely pathogenic for ABCA4-related disorders. Last evaluated: 2024-05-16. Review status: criteria provided, single submitter. Criteria: ACMG Guidelines, 2015. Collection method: clinical testing. Allele origin: germline. Affected: yes. Observed: 2 variant alleles. Not counted in ClinVar's aggregate classification.

Labcorp Genetics (formerly Invitae), Labcorp
Classification: Uncertain significance. Last evaluated: 2023-07-07. Review status: criteria provided, single submitter. Criteria: Invitae Variant Classification Sherloc (09022015). Collection method: clinical testing. Allele origin: germline. Not counted in ClinVar's aggregate classification.
Comment: In summary, the available evidence is currently insufficient to determine the role of this variant in disease. Therefore, it has been classified as a Variant of Uncertain Significance. Advanced modeling of protein sequence and biophysical properties (such as structural, functional, and spatial information, amino acid conservation, physicochemical variation, residue mobility, and thermodynamic stability) performed at Invitae indicates that this missense variant is expected to disrupt ABCA4 protein function. This sequence change replaces leucine, which is neutral and non-polar, with proline, which is neutral and non-polar, at codon 1138 of the ABCA4 protein (p.Leu1138Pro). This variant is present in population databases (no rsID available, gnomAD 0.01%). This missense change has been observed in individual(s) with clinical features of retinal disease (PMID: 17296903, 25283059). ClinVar contains an entry for this variant (Variation ID: 866229).

Literature cited by the submitters: PubMed 25283059 (cited by Women's Health and Genetics/Laboratory Corporation of America, LabCorp and Labcorp Genetics (formerly Invitae), Labcorp); PubMed 35120629 (cited by Women's Health and Genetics/Laboratory Corporation of America, LabCorp); PubMed 17296903 (cited by Women's Health and Genetics/Laboratory Corporation of America, LabCorp and Labcorp Genetics (formerly Invitae), Labcorp).

NM_000350.3(ABCA4):c.3413T>C (p.Leu1138Pro)

Gene: ABCA4 (ATP binding cassette subfamily A member 4; minus strand). Cytogenetic location: 1p22.1.
Variant type: single nucleotide variant.
Coding change: c.3413T>C on transcript NM_000350.3 (MANE Select); coding-DNA position 3413, T replaced by C.
Protein change: p.Leu1138Pro; replaces leucine 1138 with proline.
Molecular consequence: missense variant.
Genome position (GRCh38, 1-based): chr1:94,041,318, A>G on the plus strand (T>C on the coding strand, the complement: ABCA4 is on the minus strand). VCF-style: chr1-94041318-A-G. GRCh37 (hg19) VCF-style: chr1-94506874-A-G.
Other names: NM_000350.3(ABCA4):c.3413T>C; p.Leu1138Pro; c.3191T>C, p.Leu1064Pro (NM_001425324.1); short protein forms L1138P, L1064P.
Identifiers: ClinVar variation 866229 (VCV000866229.13), dbSNP rs1287053724, ClinGen allele CA341290944.